The following is an entry in ClinVar:

ClinVar aggregate classification (germline): Likely pathogenic (1 of 4 stars; one submission).

Conditions:
Genitourinary and/or brain malformation syndrome (GUBS). Also called: PPP1R12A-Related Urogenital and/or Brain Malformation Syndrome. Identifiers: MedGen C5394158, MONDO:0032934, OMIM 618820.

Submission:

Juno Genomics, Hangzhou Juno Genomics, Inc
Classification: Likely pathogenic for Genitourinary and/or brain malformation syndrome. Review status: criteria provided, single submitter. Criteria: ACMG Guidelines, 2015. Collection method: clinical testing. Allele origin: germline.
Comment: Absent from controls (or at extremely low frequency if recessive) in Genome Aggregation Database.;Null variant in a gene where loss of function (LOF) is a known mechanism of disease.

NM_002480.3(PPP1R12A):c.1550+2T>C

Gene: PPP1R12A (protein phosphatase 1 regulatory subunit 12A; minus strand). Cytogenetic location: 12q21.2.
Variant type: single nucleotide variant.
Coding change: c.1550+2T>C on transcript NM_002480.3 (MANE Select); the canonical splice donor site of the intron after coding-DNA position 1550, T replaced by C.
Molecular consequence: splice donor variant.
Genome position (GRCh38, 1-based): chr12:79,808,481, A>G on the plus strand (T>C on the coding strand, the complement: PPP1R12A is on the minus strand). VCF-style: chr12-79808481-A-G. GRCh37 (hg19) VCF-style: chr12-80202261-A-G.
Other names: c.1550+2T>C (NM_001244992.1, NM_001244990.2, NM_001143885.2); c.1289+2T>C (NM_001143886.2).
Identifiers: ClinVar variation 3382842 (VCV003382842.3).